The following is an entry in ClinVar:

NM_001352754.2(ARMC9):c.1879-3C>T

Gene: ARMC9 (armadillo repeat containing 9; plus strand). Cytogenetic location: 2q37.1.
Variant type: single nucleotide variant.
Coding change: c.1879-3C>T on transcript NM_001352754.2 (MANE Select); 3 bases into the intron before coding-DNA position 1879, C replaced by T.
Molecular consequence: intron variant.
Genome position (GRCh38, 1-based): chr2:231,344,972, C>T. VCF-style: chr2-231344972-C-T. GRCh37 (hg19) VCF-style: chr2-232209684-C-T.
Other names: c.1879-3C>T (NM_001271466.4, NM_001352755.2, NM_001352756.2 and 2 more transcripts); c.1774-3C>T (NM_001352759.2); c.1780-3C>T (NM_001352757.2, NM_001352758.2).
Identifiers: ClinVar variation 2231186 (VCV002231186.2), dbSNP rs1575150801, ClinGen allele CA1334736209.

ClinVar aggregate classification (germline): Uncertain significance (1 of 4 stars; one submission).

Conditions:
Inborn genetic diseases. Identifiers: MedGen C0950123, MeSH D030342.

Allele frequency attached by ClinVar (database versions not stated): gnomAD exomes below 0.00001.
gnomAD v4.1: 2 of 1,613,810 alleles (0.00012%); highest among the groups gnomAD compares: Middle Eastern, 0.033%; no homozygotes.

Submission:

Ambry Genetics
Classification: Uncertain significance for Inborn genetic diseases. Last evaluated: 2022-05-09. Review status: criteria provided, single submitter. Criteria: Ambry Variant Classification Scheme 2023. Collection method: clinical testing. Allele origin: germline.
Comment: The c.1879-3C>T intronic alteration consists of a C to T substitution 3 nucleotides before coding exon 20 in the ARMC9 gene. Based on insufficient or conflicting evidence, the clinical significance of this alteration remains unclear.